The following is an entry in ClinVar:

ClinVar aggregate classification (germline): Pathogenic (1 of 4 stars; one submission).

Conditions:
Phelan-McDermid syndrome. Also called: Phelan-McDermid Syndrome-SHANK3 Related; TELOMERIC 22q13 MONOSOMY SYNDROME; 22q13.3 deletion syndrome. Identifiers: Orphanet 48652, MedGen C1853490, MONDO:0011652, OMIM 606232.

Submission:

3billion
Classification: Pathogenic for Phelan-McDermid syndrome. Last evaluated: 2025-06-16. Review status: criteria provided, single submitter. Criteria: ACMG Guidelines, 2015. Collection method: clinical testing. Allele origin: germline. Affected: yes.
Comment: The variant is not observed in the gnomAD v4.1.0 dataset. Predicted Consequence/Location: Frameshift: predicted to result in a loss or disruption of normal protein function through nonsense-mediated decay (NMD) or protein truncation. Multiple pathogenic variants are reported downstream of the variant. The variant has been reported to be associated with SHANK3-related disorder (ClinVar ID: VCV000988472). Therefore, this variant is classified as Pathogenic according to the recommendation of ACMG/AMP guideline.

NM_001372044.2(SHANK3):c.3172del (p.Arg1058fs)

Gene: SHANK3 (SH3 and multiple ankyrin repeat domains 3; plus strand). Cytogenetic location: 22q13.33.
Variant type: Deletion.
Coding change: c.3172del on transcript NM_001372044.2 (MANE Select); coding-DNA position 3172, one base deleted (C; older notation c.3172delC).
Protein change: p.Arg1058fs; shifts the reading frame from arginine 1058.
Molecular consequence: frameshift variant.
Genome position (GRCh38, 1-based): chr22:50,720,780, C deleted; the last of 3 consecutive C bases (chr22:50,720,778-50,720,780); deleting any one gives the same sequence. VCF-style (leftmost placement, unchanged base first): chr22-50720777-GC-G. GRCh37 (hg19) VCF-style: chr22-51159205-GC-G.
Other names: c.3170del (NM_001372044.2); short protein forms R1058fs.
Identifiers: ClinVar variation 4856134 (VCV004856134.1).